The following is an entry in ClinVar:

ClinVar aggregate classification (germline): Likely benign. Review status: criteria provided, multiple submitters, no conflicts (2 of 4 stars). 3 submissions from 3 submitters: Likely benign (3). Last evaluated 2024-06-05.

Allele frequency attached by ClinVar (database versions not stated): gnomAD exomes 0.00001 and 0.00006; gnomAD 0.00002 and 0.00003; TOPMed 0.00002; ExAC 0.00004; 1000 Genomes Project 0.00020; 1000 Genomes Project 30x 0.00031.
gnomAD v4.1: 25 of 1,612,570 alleles (0.0016%); highest among the groups gnomAD compares: East Asian, 0.053%; no homozygotes.

Submissions (3):

Labcorp Genetics (formerly Invitae), Labcorp
Classification: Likely benign. Last evaluated: 2024-06-05. Review status: criteria provided, single submitter. Criteria: Invitae Variant Classification Sherloc (09022015). Collection method: clinical testing. Allele origin: germline.

Blueprint Genetics
Classification: Likely benign. Last evaluated: 2024-03-06. Review status: criteria provided, single submitter. Criteria: ACMG Guidelines, 2015. Collection method: clinical testing. Allele origin: germline.

GeneDx
Classification: Likely benign. Last evaluated: 2018-02-19. Review status: criteria provided, single submitter. Criteria: GeneDx Variant Classification (06012015). Collection method: clinical testing. Allele origin: germline. Affected: yes.
Comment: This variant is considered likely benign or benign based on one or more of the following criteria: it is a conservative change, it occurs at a poorly conserved position in the protein, it is predicted to be benign by multiple in silico algorithms, and/or has population frequency not consistent with disease.

NM_032620.4(GTPBP3):c.1110C>T (p.Leu370=)

Gene: GTPBP3 (GTP binding protein 3, mitochondrial; plus strand). Cytogenetic location: 19p13.11.
Variant type: single nucleotide variant.
Coding change: c.1110C>T on transcript NM_032620.4 (MANE Select); coding-DNA position 1110, C replaced by T.
Protein change: p.Leu370=; no amino-acid change (leucine 370 retained).
Molecular consequence: synonymous variant.
Genome position (GRCh38, 1-based): chr19:17,341,179, C>T. VCF-style: chr19-17341179-C-T. GRCh37 (hg19) VCF-style: chr19-17451988-C-T.
Other names: c.1047C>T, p.Leu349= (NM_001128855.3); c.1176C>T, p.Leu392= (NM_001195422.1); c.1206C>T, p.Leu402= (NM_133644.4).
Identifiers: ClinVar variation 515447 (VCV000515447.10), dbSNP rs536040222, ClinGen allele CA9293644.